The following is an entry in ClinVar:

NM_172107.4(KCNQ2):c.515-9G>A

Gene: KCNQ2 (potassium voltage-gated channel subfamily Q member 2; minus strand). Cytogenetic location: 20q13.33.
Variant type: single nucleotide variant.
Coding change: c.515-9G>A on transcript NM_172107.4 (MANE Select); 9 bases into the intron before coding-DNA position 515, G replaced by A.
Molecular consequence: intron variant.
Genome position (GRCh38, 1-based): chr20:63,444,843, C>T on the plus strand (G>A on the coding strand, the complement: KCNQ2 is on the minus strand). VCF-style: chr20-63444843-C-T. GRCh37 (hg19) VCF-style: chr20-62076196-C-T.
Other names: c.515-9G>A (NM_172106.3, NM_172109.3, NM_004518.6 and 2 more transcripts).
Identifiers: ClinVar variation 378021 (VCV000378021.18), dbSNP rs755243604, ClinGen allele CA9958783.
Genomic context (GRCh38, chr20:63,444,843, plus strand): 5'-CCCTGGGAGCCGGCGGCCAGCACCGCAATGGAGGCGATGAGCACCATGATGTCTACAAAG[C>T]GGGCGTGGAGCTGGTGAGCTGCTGGGCCGCTCCCCGCACCCCCTTGGAGAAAACTCCCCA-3'

ClinVar aggregate classification (germline): Benign/Likely benign. Review status: criteria provided, multiple submitters, no conflicts (2 of 4 stars). 4 submissions from 4 submitters: Benign (2); Likely benign (1). 1 of the submissions does not count toward it. Last evaluated 2025-09-21.

Conditions:
Early-infantile DEE. Also called: Ohtahara syndrome; Early infantile epileptic encephalopathy; Early infantile epileptic encephalopathy with suppression bursts. Identifiers: Orphanet 1934, MedGen C0393706, MONDO:0800491.
KCNQ2-Related Disorders. Also called: KCNQ2-related condition; KCNQ2-related disorder. Identifiers: MedGen CN169299.

Allele frequency attached by ClinVar (database versions not stated): gnomAD 0.00003; gnomAD exomes 0.00004 and 0.00018; TOPMed 0.00008; ExAC 0.00019.
gnomAD v4.1: 58 of 1,584,118 alleles (0.0037%); highest among the groups gnomAD compares: Admixed American, 0.078%; no homozygotes.

Submissions (4):

Labcorp Genetics (formerly Invitae), Labcorp
Classification: Benign for Early-infantile DEE. Last evaluated: 2025-09-21. Review status: criteria provided, single submitter. Criteria: Invitae Variant Classification Sherloc (09022015). Collection method: clinical testing. Allele origin: germline.

Women's Health and Genetics/Laboratory Corporation of America, LabCorp
Classification: Likely benign. Last evaluated: 2025-06-09. Review status: criteria provided, single submitter. Criteria: LabCorp Variant Classification Summary - May 2015. Collection method: clinical testing. Allele origin: germline.

GeneDx
Classification: Benign. Last evaluated: 2019-08-20. Review status: criteria provided, single submitter. Criteria: GeneDx Variant Classification Process June 2021. Collection method: clinical testing. Allele origin: germline. Affected: yes.

PreventionGenetics, part of Exact Sciences
Classification: Likely benign for KCNQ2-related condition. Last evaluated: 2022-02-08. Review status: no assertion criteria provided. Collection method: clinical testing. Allele origin: germline. Not counted in ClinVar's aggregate classification.
Comment: This variant is classified as likely benign based on ACMG/AMP sequence variant interpretation guidelines (Richards et al. 2015 PMID: 25741868, with internal and published modifications).